The following is an entry in ClinVar:

NM_003458.4(BSN):c.7334_7337del (p.Leu2445fs)

Gene: BSN (bassoon presynaptic cytomatrix protein; plus strand). Cytogenetic location: 3p21.31.
Variant type: Deletion.
Coding change: c.7334_7337del on transcript NM_003458.4 (MANE Select); coding-DNA positions 7334 to 7337, 4 bases deleted (TAGC; older notation c.7334_7337delTAGC).
Protein change: p.Leu2445fs; shifts the reading frame from leucine 2445.
Molecular consequence: frameshift variant.
Genome position (GRCh38, 1-based): chr3:49,656,890-49,656,893, TAGC deleted; deleting any 4 consecutive bases within chr3:49,656,887-49,656,893 gives the same sequence; the c. name uses the placement nearest the transcript's 3' end. VCF-style (leftmost placement, unchanged base first): chr3-49656886-CAGCT-C. GRCh37 (hg19) VCF-style: chr3-49694319-CAGCT-C.
Other names: short protein forms L2445fs.
Identifiers: ClinVar variation 4087883 (VCV004087883.1).
Genomic context (GRCh38, chr3:49,656,886, plus strand): 5'-CACCATGTGCTGCAGCAGCAGCAAGAGGAACGCCAGGCTCAATTTGCACTGCAGCGGGAA[CAGCT>C]AGCGCAGCAGCGTCTGCAGCTGGAGCAGATCCAGCAGCTGCAGCAGCAGCTGCAGCAGCA-3'

ClinVar aggregate classification (germline): Uncertain significance (1 of 4 stars; one submission).

Submission:

GeneDx
Classification: Uncertain significance. Last evaluated: 2025-03-24. Review status: criteria provided, single submitter. Criteria: GeneDx Variant Classification Process June 2021. Collection method: clinical testing. Allele origin: germline. Affected: yes.
Comment: Not observed at significant frequency in large population cohorts (gnomAD); Frameshift variant predicted to result in protein truncation or nonsense mediated decay in a gene or region of a gene for which loss of function is not a well-established mechanism of disease; Has not been previously published as pathogenic or benign to our knowledge; Variants in candidate genes are classified as variants of uncertain significance in accordance with ACMG guidelines (PMID: 25741868)